The following is an entry in ClinVar:

NM_001377299.1(NDUFS2):c.435G>A (p.Met145Ile)

Gene: NDUFS2 (NADH:ubiquinone oxidoreductase core subunit S2; plus strand). Cytogenetic location: 1q23.3.
Variant type: single nucleotide variant.
Coding change: c.435G>A on transcript NM_001377299.1 (MANE Select); coding-DNA position 435, G replaced by A.
Protein change: p.Met145Ile; replaces methionine 145 with isoleucine.
Molecular consequence: missense variant. On other transcripts: non-coding transcript variant (1).
Genome position (GRCh38, 1-based): chr1:161,209,234, G>A. VCF-style: chr1-161209234-G-A. GRCh37 (hg19) VCF-style: chr1-161179024-G-A.
Other names: c.435G>A, p.Met145Ile (NM_001166159.2, NM_001377298.1, NM_001377300.1 and 3 more transcripts); short protein forms M145I.
Identifiers: ClinVar variation 1058462 (VCV001058462.6), dbSNP rs1665636671, ClinGen allele CA343379158.

ClinVar aggregate classification (germline): Uncertain significance (1 of 4 stars; one submission).

Allele frequency attached by ClinVar (database versions not stated): TOPMed below 0.00001; gnomAD 0.00001.

Submission:

Labcorp Genetics (formerly Invitae), Labcorp
Classification: Uncertain significance. Last evaluated: 2021-08-26. Review status: criteria provided, single submitter. Criteria: Invitae Variant Classification Sherloc (09022015). Collection method: clinical testing. Allele origin: germline.
Comment: This sequence change replaces methionine with isoleucine at codon 145 of the NDUFS2 protein (p.Met145Ile). The methionine residue is highly conserved and there is a small physicochemical difference between methionine and isoleucine. This variant is not present in population databases (ExAC no frequency). This variant has not been reported in the literature in individuals affected with NDUFS2-related conditions. Algorithms developed to predict the effect of missense changes on protein structure and function are either unavailable or do not agree on the potential impact of this missense change (SIFT: "Deleterious"; PolyPhen-2: "Benign"; Align-GVGD: "Class C0"). In summary, the available evidence is currently insufficient to determine the role of this variant in disease. Therefore, it has been classified as a Variant of Uncertain Significance.